The following is an entry in ClinVar:

NM_001378414.1(HDAC4):c.743C>T (p.Pro248Leu)

Gene: HDAC4 (histone deacetylase 4; minus strand). Cytogenetic location: 2q37.3.
Variant type: single nucleotide variant.
Coding change: c.743C>T on transcript NM_001378414.1 (MANE Select); coding-DNA position 743, C replaced by T.
Protein change: p.Pro248Leu; replaces proline 248 with leucine.
Molecular consequence: missense variant.
Genome position (GRCh38, 1-based): chr2:239,144,705, G>A on the plus strand (C>T on the coding strand, the complement: HDAC4 is on the minus strand). VCF-style: chr2-239144705-G-A. GRCh37 (hg19) VCF-style: chr2-240066401-G-A.
Other names: c.743C>T, p.Pro248Leu (NM_001378415.1, NM_001378416.1, NM_001378417.1 and 1 more transcripts); short protein forms P248L.
Identifiers: ClinVar variation 424498 (VCV000424498.19), dbSNP rs1064797002, ClinGen allele CA16617506.

ClinVar aggregate classification (germline): Pathogenic. Review status: criteria provided, multiple submitters, no conflicts (2 of 4 stars). 7 submissions from 7 submitters: Pathogenic (6). 1 of the submissions does not count toward it. Last evaluated 2024-10-08.

Conditions:
Chromosome 2q37 deletion syndrome (BDMR). Also called: 2q37 microdeletion syndrome; ALBRIGHT HEREDITARY OSTEODYSTROPHY-LIKE SYNDROME; Chromosome 2, monosomy 2q37; Monosomy 2q37; Deletion 2q37. Identifiers: Orphanet 1001, MedGen C2931817, MONDO:0010886, OMIM 600430.
Inborn genetic diseases. Identifiers: MedGen C0950123, MeSH D030342.
Profound intellectual disability. Identifiers: MedGen C3161330, HP:0002187.
Neurodevelopmental disorder with central hypotonia and dysmorphic facies (NEDCHF). Identifiers: MedGen C5676944, MONDO:0859232, OMIM 619797.
Brachydactyly syndrome type E. Identifiers: MedGen C0265312.

Submissions (7):

Victorian Clinical Genetics Services, Murdoch Childrens Research Institute
Classification: Pathogenic for Neurodevelopmental disorder with central hypotonia and dysmorphic facies. Last evaluated: 2024-10-08. Review status: criteria provided, single submitter. Criteria: ACMG Guidelines, 2015. Collection method: clinical testing. Allele origin: germline. Inheritance: Autosomal dominant inheritance. Affected: yes.
Comment: Based on the classification scheme VCGS_Germline_v1.3.4, this variant is classified as Pathogenic. Following criteria are met: 0101 - Gain of function is a known mechanism of disease in this gene and is associated with neurodevelopmental disorder with central hypotonia and dysmorphic facies (MIM#619797). (I) 0107 - This gene is associated with autosomal dominant disease. (I) 0200 - Variant is predicted to result in a missense amino acid change from proline to leucine. (I) 0251 - Variant is heterozygous. (I) 0301 - Variant is absent from gnomAD (both v2 and v3). (SP) 0502 - Missense variant with conflicting in silico predictions and high conservation. (I) 0600 - Variant is located in the annotated 14-3-3 binding motif (PMID: 10958686). (I) 0704 - Another missense variant comparable to the one identified in this case has limited previous evidence for pathogenicity. p.(Pro248Ala) has been observed as de novo in a heterozygous individual with HDAC4-related symptoms (PMID: 33537682). (SP) 0801 - This variant has strong previous evidence of pathogenicity in unrelated individuals. This variant has been classified as pathogenic in ClinVar, and has been observed as de novo in four heterozygous individuals with HDAC4-related symptoms (PMID: 33537682). (SP) 0905 - No published segregation evidence has been identified for this variant. (I) 1007 - No published functional evidence has been identified for this variant. (I) 1208 - Inheritance information for this variant is not currently available in this individual. (I) Legend: (SP) - Supporting pathogenic, (I) - Information, (SB) - Supporting benign

3billion
Classification: Pathogenic for Neurodevelopmental disorder with central hypotonia and dysmorphic facies. Last evaluated: 2024-09-06. Review status: criteria provided, single submitter. Criteria: ACMG Guidelines, 2015. Collection method: clinical testing. Allele origin: germline. Affected: yes.
Comment: The variant is not observed in the gnomAD v4.0.0 dataset. Predicted Consequence/Location: Missense variant. Missense changes are a common disease-causing mechanism. In silico tool predictions suggest damaging effect of the variant on gene or gene product [REVEL: 0.47 (>=0.6, sensitivity 0.68 and specificity 0.92); 3Cnet: 0.96 (>=0.6, sensitivity 0.72 and precision 0.9)]. The same nucleotide change resulting in the same amino acid change has been previously reported as pathogenic/likely pathogenic with strong evidence (ClinVar ID: VCV000424498 /3billion dataset). The variant has been previously reported as assumed (i.e. paternity and maternity not confirmed) de novo in at least one similarly affected unrelated individual (PMID: 33537682). A different missense change at the same codon (p.Pro248Ala) has been reported to be associated with HDAC4-related disorder (ClinVar ID: VCV001344563). Therefore, this variant is classified as Pathogenic according to the recommendation of ACMG/AMP guideline.

Ambry Genetics
Classification: Pathogenic for Inborn genetic diseases. Last evaluated: 2023-09-07. Review status: criteria provided, single submitter. Criteria: Ambry Variant Classification Scheme 2023. Collection method: clinical testing. Allele origin: germline.
Comment: The c.743C>T (p.P248L) alteration is located in exon 8 (coding exon 7) of the HDAC4 gene. This alteration results from a C to T substitution at nucleotide position 743, causing the proline (P) at amino acid position 248 to be replaced by a leucine (L). This variant was not reported in population-based cohorts in the Genome Aggregation Database (gnomAD). This variant and another alteration at the same codon, c.742C>G (p.P248A), have been determined to be the result of a de novo mutation in multiple individuals with features consistent with HDAC4-related neurodevelopmental disorder (Wakeling, 2021). This amino acid position is highly conserved in available vertebrate species. The p.P248L amino acid is located within the nuclear localization domain and is an important residue for protein binding and HDAC4 export from the nucleus. The location of this alteration is 2 amino acids away from a phosphorylated serine (p.S246), the phosphorylation of which is required for export of HDAC4 from the nucleus (Wang, 2001). The in silico prediction for this alteration is inconclusive. Based on the available evidence, this alteration is classified as pathogenic.

Laboratory of Medical Genetics, National & Kapodistrian University of Athens
Classification: Pathogenic for Chromosome 2q37 deletion syndrome. Last evaluated: 2021-12-21. Review status: criteria provided, single submitter. Criteria: ACMG Guidelines, 2015. Collection method: clinical testing. Allele origin: de novo. Affected: yes.
Comment: PS2, PM1, PM2, PP3, PP5

Elsea Laboratory, Baylor College of Medicine
Classification: Pathogenic for Profound intellectual disability. Last evaluated: 2020-08-03. Review status: criteria provided, single submitter. Criteria: ACMG Guidelines, 2015. Collection method: clinical testing. Allele origin: de novo. Inheritance: Autosomal dominant inheritance. Affected: yes. Observed: 5 variant alleles, 5 heterozygotes. Clinical features observed: Intellectual disability (HP:0001249), Generalized hypotonia (HP:0001290), apnea, poor feeding, difficulty swallowing, neurogenerative process, Seizures.

GeneDx
Classification: Pathogenic. Last evaluated: 2018-11-26. Review status: criteria provided, single submitter. Criteria: GeneDx Variant Classification (06012015). Collection method: clinical testing. Allele origin: germline. Affected: yes.
Comment: The P248L variant in the HDAC4 gene has not been reported previously as a pathogenic variant, nor as a benign variant, to our knowledge. The P248L variant is not observed in large population cohorts (Lek et al., 2016). The P248L variant is a semi-conservative amino acid substitution, which may impact secondary protein structure as these residues differ in some properties. In-silico analyses, including protein predictors and evolutionary conservation, support a deleterious effect. We interpret P248L as a pathogenic variant.

OMIM
Classification: Pathogenic for NEURODEVELOPMENTAL DISORDER WITH CENTRAL HYPOTONIA AND DYSMORPHIC FACIES. Last evaluated: 2022-03-18. Review status: no assertion criteria provided. Collection method: literature only. Allele origin: germline. Not counted in ClinVar's aggregate classification.

Literature cited by the submitters: PubMed 10958686 (cited by Victorian Clinical Genetics Services, Murdoch Childrens Research Institute); PubMed 33537682 (cited by 4 submitters); PubMed 11486037 (cited by Ambry Genetics).